The following is an entry in ClinVar:

NM_000540.3(RYR1):c.3244G>C (p.Val1082Leu)

Gene: RYR1 (ryanodine receptor 1; plus strand). Cytogenetic location: 19q13.2.
Variant type: single nucleotide variant.
Coding change: c.3244G>C on transcript NM_000540.3 (MANE Select); coding-DNA position 3244, G replaced by C.
Protein change: p.Val1082Leu; replaces valine 1082 with leucine.
Molecular consequence: missense variant.
Genome position (GRCh38, 1-based): chr19:38,467,675, G>C. VCF-style: chr19-38467675-G-C. GRCh37 (hg19) VCF-style: chr19-38958315-G-C.
Other names: c.3244G>C, p.Val1082Leu (NM_001042723.2); short protein forms V1082L.
Identifiers: ClinVar variation 2169287 (VCV002169287.4), dbSNP rs1173527905, ClinGen allele CA405637076.

ClinVar aggregate classification (germline): Uncertain significance. Review status: criteria provided, multiple submitters, no conflicts (2 of 4 stars). 2 submissions from 2 submitters: Uncertain significance (2). Last evaluated 2025-06-09.

Conditions:
RYR1-related disorder. Also called: RYR1-related condition; RYR1-related disorders. Identifiers: MedGen CN239331.
Malignant hyperthermia, susceptibility to, 1 (MHS1). Also called: RYR1-Related Malignant Hyperthermia Susceptibility; Malignant hyperthermia suceptibility 1; Anesthesia related hyperthermia; Malignant hyperpyrexia; Fulminating hyperpyrexia; Pharmacogenic myopathy. Identifiers: Orphanet 423, MedGen C2930980, MONDO:0007783, OMIM 145600.

Allele frequency attached by ClinVar (database versions not stated): gnomAD exomes below 0.00001.
gnomAD v4.1: 3 of 1,614,214 alleles (0.00019%); highest among the groups gnomAD compares: Non-Finnish European, 0.00025%; no homozygotes.

Submissions (2):

Color Diagnostics, LLC DBA Color Health
Classification: Uncertain significance for Malignant hyperthermia, susceptibility to, 1. Last evaluated: 2025-06-09. Review status: criteria provided, single submitter. Criteria: ACMG Guidelines, 2015. Collection method: clinical testing. Allele origin: germline.
Comment: This missense variant replaces valine with leucine at codon 1082 of the RYR1 protein. Computational prediction suggests that this variant may have deleterious impact on protein structure and function. To our knowledge, functional studies have not been reported for this variant. This variant has not been reported in individuals affected with RYR1-related disorders in the literature. This variant has been identified in 1/251472 chromosomes in the general population by the Genome Aggregation Database (gnomAD). The available evidence is insufficient to determine the role of this variant in disease conclusively. Therefore, this variant is classified as a Variant of Uncertain Significance.

Labcorp Genetics (formerly Invitae), Labcorp
Classification: Uncertain significance for RYR1-related disorder. Last evaluated: 2022-06-04. Review status: criteria provided, single submitter. Criteria: Invitae Variant Classification Sherloc (09022015). Collection method: clinical testing. Allele origin: germline.
Comment: Advanced modeling of protein sequence and biophysical properties (such as structural, functional, and spatial information, amino acid conservation, physicochemical variation, residue mobility, and thermodynamic stability) performed at Invitae indicates that this missense variant is expected to disrupt RYR1 protein function. This variant has not been reported in the literature in individuals affected with RYR1-related conditions. This variant is present in population databases (no rsID available, gnomAD 0.0009%). This sequence change replaces valine, which is neutral and non-polar, with leucine, which is neutral and non-polar, at codon 1082 of the RYR1 protein (p.Val1082Leu). In summary, the available evidence is currently insufficient to determine the role of this variant in disease. Therefore, it has been classified as a Variant of Uncertain Significance.